The following is an entry in ClinVar:

ClinVar aggregate classification (germline): Uncertain significance (1 of 4 stars; one submission).

Submission:

Clinical Genomics Laboratory, Washington University in St. Louis
Classification: Uncertain significance. Last evaluated: 2024-06-03. Review status: criteria provided, single submitter. Criteria: ACMG Guidelines, 2015. Collection method: clinical testing. Allele origin: germline.
Comment: The SH3RF2 c.483_529del ( p.Asn161Lysfs*31) variant, to our knowledge, has not been reported in the medical literature and is absent from the general population (gnomAD v.2.1.1), indicating it is not a common variant. This variant causes a frameshift by deleting 47 nucleotides, leading to a premature termination codon, which is predicted to lead to nonsense mediated decay. Due to limited information, the clinical significance of this variant is uncertain.

NM_152550.4(SH3RF2):c.483_529del (p.Asn161fs)

Gene: SH3RF2 (SH3 domain containing ring finger 2; plus strand). Cytogenetic location: 5q32.
Variant type: Deletion.
Coding change: c.483_529del on transcript NM_152550.4 (MANE Select); coding-DNA positions 483 to 529, 47 bases deleted.
Protein change: p.Asn161fs; shifts the reading frame from asparagine 161.
Molecular consequence: frameshift variant.
Genome position (GRCh38, 1-based): chr5:146,000,162-146,000,208, 47 bases deleted; deleting any 47 consecutive bases within chr5:146,000,161-146,000,208 gives the same sequence; the c. name uses the placement nearest the transcript's 3' end. GRCh37 (hg19): chr5:145,379,725-145,379,771.
Other names: short protein forms N161fs.
Identifiers: ClinVar variation 3600532 (VCV003600532.1).